The following is an entry in ClinVar:

ClinVar aggregate classification (germline): Uncertain significance (1 of 4 stars; one submission).

Conditions:
Houge-Janssens syndrome 3. Also called: NEURODEVELOPMENTAL DISORDER AND LANGUAGE DELAY WITH OR WITHOUT STRUCTURAL BRAIN ABNORMALITIES. Identifiers: MedGen C5193048, MONDO:0032697, OMIM 618354.

Submission:

Laboratorio de Genetica e Diagnostico Molecular, Hospital Israelita Albert Einstein
Classification: Uncertain significance for Houge-Janssens syndrome 3. Last evaluated: 2024-11-18. Review status: criteria provided, single submitter. Criteria: ACMG Guidelines, 2015. Collection method: clinical testing. Allele origin: germline. Affected: yes.
Comment: ACMG classification criteria: PM2 supporting, PP2 supporting, PP3 supporting

NM_002715.4(PPP2CA):c.857T>C (p.Phe286Ser)

Gene: PPP2CA (protein phosphatase 2 catalytic subunit alpha; minus strand). Cytogenetic location: 5q31.1.
Variant type: single nucleotide variant.
Coding change: c.857T>C on transcript NM_002715.4 (MANE Select); coding-DNA position 857, T replaced by C.
Protein change: p.Phe286Ser; replaces phenylalanine 286 with serine.
Molecular consequence: missense variant. On other transcripts: non-coding transcript variant (1).
Genome position (GRCh38, 1-based): chr5:134,199,086, A>G on the plus strand (T>C on the coding strand, the complement: PPP2CA is on the minus strand). VCF-style: chr5-134199086-A-G. GRCh37 (hg19) VCF-style: chr5-133534777-A-G.
Other names: c.662T>C, p.Phe221Ser (NM_001355019.2); short protein forms F221S, F286S.
Identifiers: ClinVar variation 4076387 (VCV004076387.1).